The following is an entry in ClinVar:

ClinVar aggregate classification (germline): Pathogenic/Likely pathogenic. Review status: criteria provided, multiple submitters, no conflicts (2 of 4 stars). 8 submissions from 8 submitters: Pathogenic (4); Likely pathogenic (2). 2 of the submissions do not count toward it. Last evaluated 2026-08-20.

Conditions:
L1CAM-related disorder. Also called: L1CAM-related condition.
Spastic paraplegia. Identifiers: MedGen C0037772, HP:0001258.
L1 syndrome. Identifiers: Orphanet 275543, MedGen C5779710, MONDO:0017140.
X-linked hydrocephalus syndrome (HYCX). Also called: X-Linked Hydrocephalus with Stenosis of the Aqueduct of Sylvius; X-Linked Hydrocephalus with Stenosis of the Aqueduct of Sylvius (HSAS); HYDROCEPHALUS, CONGENITAL, X-LINKED; AQUEDUCTAL STENOSIS, X-LINKED; X-linked hydrocephalus. Identifiers: Orphanet 2182, MedGen C0265216, MONDO:0010611, OMIM 307000.

Submissions (8):

Myriad Genetics, Inc.
Classification: Likely pathogenic for L1 syndrome. Last evaluated: 2026-08-20. Review status: criteria provided, single submitter. Criteria: Myriad Autosomal Dominant, Autosomal Recessive and X-Linked Classification Criteria (2023). Collection method: clinical testing. Allele origin: unknown.
Comment: NM_001278116.1(L1CAM):c.1354G>A(G452R) is a missense variant classified as likely pathogenic in the context of L1 syndrome. G452R has been observed in cases with relevant disease (PMID: 7920659, 31504653, 32416898). Relevant functional assessments of this variant are available in the literature (PMID: 10469653). G452R has not been observed in referenced population frequency databases. In summary, NM_001278116.1(L1CAM):c.1354G>A(G452R) is a missense variant that has functional support for pathogenicity and has been observed more frequently in cases with the relevant disease than in healthy populations. Please note: this variant was assessed in the context of healthy population screening.

PreventionGenetics, part of Exact Sciences
Classification: Likely pathogenic for L1CAM-related condition. Last evaluated: 2025-06-17. Review status: criteria provided, single submitter. Criteria: ACMG Guidelines, 2015. Collection method: clinical testing. Allele origin: germline.
Comment: The L1CAM c.1354G>A variant is predicted to result in the amino acid substitution p.Gly452Arg. This variant was reported in patients with hydrocephalus and was interpreted as likely pathogenic (Jouet et al. 1994. PubMed ID: 7920659; Gregory et al. 2019. PubMed ID: 31504653; Li et al. 2020. PubMed ID: 32416898). In vitro functional studies showed that the p.Gly452Arg change reduces ligand binding strength (De Angelis et al. 1999, PubMed: 10469653). This variant has not been reported in a large population database, indicating this variant is rare. This variant is interpreted as likely pathogenic.

Women's Health and Genetics/Laboratory Corporation of America, LabCorp
Classification: Pathogenic for L1 syndrome. Last evaluated: 2021-07-19. Review status: criteria provided, single submitter. Criteria: LabCorp Variant Classification Summary - May 2015. Collection method: clinical testing. Allele origin: germline.
Comment: Variant summary: L1CAM c.1354G>A (p.Gly452Arg) results in a non-conservative amino acid change located in one of the immunoglobulin-like domains (IPR007110) of the encoded protein sequence. Five of five in-silico tools predict a damaging effect of the variant on protein function. The variant was absent in 183404 control chromosomes (gnomAD). The variant, c.1354G>A, has been reported in the literature in individuals affected with L1 Syndrome, and was reported to co-segregate with the disease in a family (Jouet_1994, Gregory_2019, Li_2020). These data indicate that the variant likely associated with disease. Publications also reported experimental evidence evaluating an impact on protein function, and demonstrated that the variant results in reduced cell surface expression, and strongly decreases both homophilic- and heterophilic ligand interactions (DeAngelis_1999, DeAngelis_2002). Three clinical diagnostic laboratories have submitted clinical-significance assessments for this variant to ClinVar after 2014 without evidence for independent evaluation. All laboratories classified the variant as pathogenic. Based on the evidence outlined above, the variant was classified as pathogenic.

Labcorp Genetics (formerly Invitae), Labcorp
Classification: Pathogenic for Spastic paraplegia. Last evaluated: 2018-04-10. Review status: criteria provided, single submitter. Criteria: Invitae Variant Classification Sherloc (09022015). Collection method: clinical testing. Allele origin: germline.
Comment: This sequence change replaces glycine with arginine at codon 452 of the L1CAM protein (p.Gly452Arg). The glycine residue is highly conserved and there is a moderate physicochemical difference between glycine and arginine. This variant is not present in population databases (ExAC no frequency). This variant has been reported to segregate with X-linked hydrocephalus in a family (PMID: 7920659). ClinVar contains an entry for this variant (Variation ID: 9990). Experimental studies have shown that this missense change results in reduced ligand binding, reduced cell surface expression, and abnormal cellular protein retention (PMID: 11772994, 10469653). For these reasons, this variant has been classified as Pathogenic.

GeneDx
Classification: Pathogenic. Last evaluated: 2017-10-16. Review status: criteria provided, single submitter. Criteria: GeneDx Variant Classification (06012015). Collection method: clinical testing. Allele origin: germline. Affected: yes.
Comment: The G452R missense variant in the L1CAM gene has been reported previously in association with X-linked hydrocephalus (Jouet et al., 1994). The variant is not observed in large population cohorts (Lek et al., 2016). The G452R variant is a non-conservative amino acid substitution within the Ig5 domain of the protein's extracellular region, which is likely to impact secondary protein structure as these residues differ in polarity, charge, size and/or other properties. In-silico analyses, including protein predictors and evolutionary conservation, support a deleterious effect. Functional studies show that G452R at this key residue reduces ligand binding strength (De Angelis et al., 1999; Kenwrick et al., 2000; De Angelis et al., 2002). We interpret this variant as pathogenic.

Genetic Services Laboratory, University of Chicago
Classification: Pathogenic for Hydrocephalus due to aqueductal stenosis. Last evaluated: 2016-10-31. Review status: criteria provided, single submitter. Criteria: ACMG Guidelines, 2015. Collection method: clinical testing. Allele origin: germline. Affected: yes.

Clinical Laboratory Sciences Program (CLSP), King Saud bin Abdulaziz University for Health Sciences (KSAU-HS)
Classification: Pathogenic for X-linked hydrocephalus syndrome. Last evaluated: 2023-04-01. Review status: no assertion criteria provided. Collection method: clinical testing. Allele origin: germline. Affected: yes. Not counted in ClinVar's aggregate classification.

OMIM
Classification: Pathogenic for HYDROCEPHALUS, CONGENITAL, X-LINKED. Last evaluated: 1994-07-01. Review status: no assertion criteria provided. Collection method: literature only. Allele origin: germline. Not counted in ClinVar's aggregate classification.

Literature cited by the submitters: PubMed 10469653 (cited by 3 submitters); PubMed 31504653 (cited by Myriad Genetics, Inc. and Women's Health and Genetics/Laboratory Corporation of America, LabCorp); PubMed 32416898 (cited by Myriad Genetics, Inc. and Women's Health and Genetics/Laboratory Corporation of America, LabCorp); PubMed 7920659 (cited by 4 submitters); PubMed 10767310 (cited by Women's Health and Genetics/Laboratory Corporation of America, LabCorp); PubMed 11772994 (cited by Women's Health and Genetics/Laboratory Corporation of America, LabCorp and Labcorp Genetics (formerly Invitae), Labcorp).

NM_001278116.2(L1CAM):c.1354G>A (p.Gly452Arg)

Gene: L1CAM (L1 cell adhesion molecule; minus strand). Cytogenetic location: Xq28.
Variant type: single nucleotide variant.
Coding change: c.1354G>A on transcript NM_001278116.2 (MANE Select); coding-DNA position 1354, G replaced by A.
Protein change: p.Gly452Arg; replaces glycine 452 with arginine.
Molecular consequence: missense variant.
Genome position (GRCh38, 1-based): chrX:153,868,866, C>T on the plus strand (G>A on the coding strand, the complement: L1CAM is on the minus strand). VCF-style: chrX-153868866-C-T. GRCh37 (hg19) VCF-style: chrX-153134321-C-T.
Other names: L1CAM, GLY452ARG; c.1354G>A, p.Gly452Arg (NM_000425.5, NM_024003.3); c.1339G>A, p.Gly447Arg (NM_001143963.2); short protein forms G452R, G447R.
Identifiers: ClinVar variation 9990 (VCV000009990.34), dbSNP rs137852520, ClinGen allele CA254958.